The following is an entry in ClinVar:

NM_199355.4(ADAMTS18):c.3437G>A (p.Arg1146Gln)

Genes: ADAMTS18 (ADAM metallopeptidase with thrombospondin type 1 motif 18; minus strand), LOC126862407 (CDK7 strongly-dependent group 2 enhancer GRCh37_chr16:77322970-77324169; plus strand). Cytogenetic location: 16q23.1.
Variant type: single nucleotide variant.
Coding change: c.3437G>A on transcript NM_199355.4 (MANE Select); coding-DNA position 3437, G replaced by A.
Protein change: p.Arg1146Gln; replaces arginine 1146 with glutamine.
Molecular consequence: missense variant.
Genome position (GRCh38, 1-based): chr16:77,289,377, C>T on the plus strand (G>A on the coding strand, the complement: ADAMTS18 is on the minus strand). VCF-style: chr16-77289377-C-T. GRCh37 (hg19) VCF-style: chr16-77323274-C-T.
Other names: c.2921G>A, p.Arg974Gln (NM_001326358.2); c.3437G>A (NM_199355.2); short protein forms R1146Q, R974Q.
Identifiers: ClinVar variation 2866530 (VCV002866530.2), dbSNP rs1374530203, ClinGen allele CA396830674.

ClinVar aggregate classification (germline): Uncertain significance. Review status: criteria provided, multiple submitters, no conflicts (2 of 4 stars). 2 submissions from 2 submitters: Uncertain significance (2). Last evaluated 2025-08-20.

Conditions:
Inborn genetic diseases. Identifiers: MedGen C0950123, MeSH D030342.

Allele frequency attached by ClinVar (database versions not stated): gnomAD 0.00002.
gnomAD v4.1: 32 of 1,613,936 alleles (0.002%); highest among the groups gnomAD compares: Admixed American, 0.005%; no homozygotes.

Submissions (2):

Ambry Genetics
Classification: Uncertain significance for Inborn genetic diseases. Last evaluated: 2025-08-20. Review status: criteria provided, single submitter. Criteria: Ambry Variant Classification Scheme 2023. Collection method: clinical testing. Allele origin: germline.

Labcorp Genetics (formerly Invitae), Labcorp
Classification: Uncertain significance. Last evaluated: 2023-04-12. Review status: criteria provided, single submitter. Criteria: Invitae Variant Classification Sherloc (09022015). Collection method: clinical testing. Allele origin: germline.
Comment: In summary, the available evidence is currently insufficient to determine the role of this variant in disease. Therefore, it has been classified as a Variant of Uncertain Significance. An algorithm developed to predict the effect of missense changes on protein structure and function (PolyPhen-2) suggests that this variant is likely to be disruptive. This variant has not been reported in the literature in individuals affected with ADAMTS18-related conditions. This variant is present in population databases (no rsID available, gnomAD 0.006%). This sequence change replaces arginine, which is basic and polar, with glutamine, which is neutral and polar, at codon 1146 of the ADAMTS18 protein (p.Arg1146Gln).